The following is an entry in ClinVar:

NM_018060.4(IARS2):c.2415-8T>A

Gene: IARS2 (isoleucyl-tRNA synthetase 2, mitochondrial; plus strand). Cytogenetic location: 1q41.
Variant type: single nucleotide variant.
Coding change: c.2415-8T>A on transcript NM_018060.4 (MANE Select); 8 bases into the intron before coding-DNA position 2415, T replaced by A.
Molecular consequence: intron variant.
Genome position (GRCh38, 1-based): chr1:220,141,795, T>A. VCF-style: chr1-220141795-T-A. GRCh37 (hg19) VCF-style: chr1-220315137-T-A.
Identifiers: ClinVar variation 3896582 (VCV003896582.2).

ClinVar aggregate classification (germline): Uncertain significance (1 of 4 stars; one submission).

gnomAD v4.1: 4 of 1,613,272 alleles (0.00025%); highest among the groups gnomAD compares: Non-Finnish European, 0.00034%; no homozygotes.

Submission:

Women's Health and Genetics/Laboratory Corporation of America, LabCorp
Classification: Uncertain significance. Last evaluated: 2025-04-28. Review status: criteria provided, single submitter. Criteria: LabCorp Variant Classification Summary - May 2015. Collection method: clinical testing. Allele origin: germline.
Comment: Variant summary: IARS2 c.2415-8T>A alters a non-conserved nucleotide located at a position close to a canonical splice-site, therefore it might affect splicing. Several computational tools predict a significant impact on normal splicing: one predicts the variant abolishes a 3' acceptor site, while 3 predict the variant weakens a 3' acceptor site. However, these predictions have yet to be confirmed by functional studies. The variant allele was found at a frequency of 2.5e-06 in 1606306 control chromosomes (gnomAD v4.1). The available data on variant occurrences in the general population are insufficient to allow any conclusion about variant significance. To our knowledge, no occurrence of c.2415-8T>A in individuals affected with Cataract-Growth Hormone Deficiency-Sensory Neuropathy-Sensorineural Hearing Loss-Skeletal Dysplasia Syndrome and no experimental evidence demonstrating its impact on protein function have been reported. No submitters have cited clinical-significance assessments for this variant to ClinVar. Based on the evidence outlined above, the variant was classified as uncertain significance.